The following is an entry in ClinVar:

NM_001386393.1(PANK2):c.182C>T (p.Ser61Leu)

Genes: PANK2 (pantothenate kinase 2; plus strand), LOC130065345 (ATAC-STARR-seq lymphoblastoid silent region 12635; plus strand). Cytogenetic location: 20p13.
Variant type: single nucleotide variant.
Coding change: c.182C>T on transcript NM_001386393.1 (MANE Select); coding-DNA position 182, C replaced by T.
Protein change: p.Ser61Leu; replaces serine 61 with leucine.
Molecular consequence: missense variant. On other transcripts: 5 prime UTR variant (1), non-coding transcript variant (1), intron variant (1).
Genome position (GRCh38, 1-based): chr20:3,889,612, C>T. VCF-style: chr20-3889612-C-T. GRCh37 (hg19) VCF-style: chr20-3870259-C-T.
Other names: c.-530C>T (NM_001324191.2); c.512C>T, p.Ser171Leu (NM_001324192.1, NM_153638.4); c.-246+708C>T (NM_024960.6); short protein forms S61L, S171L.
Identifiers: ClinVar variation 1366226 (VCV001366226.3), dbSNP rs1375502090, ClinGen allele CA408141787.

ClinVar aggregate classification (germline): Uncertain significance (1 of 4 stars; one submission).

Conditions:
Pigmentary pallidal degeneration (NBIA1). Also called: HARP SYNDROME; Pantothenate Kinase-Associated Neurodegeneration; PKAN NEUROAXONAL DYSTROPHY, JUVENILE-ONSET; Neuroaxonal dystrophy, late infantile; Hallervorden-Spatz disease; Neurodegeneration with brain iron accumulation 1. Identifiers: Orphanet 157850, MedGen C0018523, MONDO:0009319, OMIM 234200.

Allele frequency attached by ClinVar (database versions not stated): gnomAD exomes 0.00004.
gnomAD v4.1: 9 of 1,534,218 alleles (0.00059%); highest among the groups gnomAD compares: Admixed American, 0.0077%; no homozygotes.

Submission:

Labcorp Genetics (formerly Invitae), Labcorp
Classification: Uncertain significance for Pigmentary pallidal degeneration. Last evaluated: 2022-06-28. Review status: criteria provided, single submitter. Criteria: Invitae Variant Classification Sherloc (09022015). Collection method: clinical testing. Allele origin: germline.
Comment: This sequence change replaces serine, which is neutral and polar, with leucine, which is neutral and non-polar, at codon 171 of the PANK2 protein (p.Ser171Leu). This variant is present in population databases (no rsID available, gnomAD 0.02%). This variant has not been reported in the literature in individuals affected with PANK2-related conditions. Algorithms developed to predict the effect of missense changes on protein structure and function (SIFT, PolyPhen-2, Align-GVGD) all suggest that this variant is likely to be tolerated. In summary, the available evidence is currently insufficient to determine the role of this variant in disease. Therefore, it has been classified as a Variant of Uncertain Significance.